The following is an entry in ClinVar:

NM_144701.3(IL23R):c.990C>A (p.Asp330Glu)

Gene: IL23R (interleukin 23 receptor; plus strand). Cytogenetic location: 1p31.3.
Variant type: single nucleotide variant.
Coding change: c.990C>A on transcript NM_144701.3 (MANE Select); coding-DNA position 990, C replaced by A.
Protein change: p.Asp330Glu; replaces aspartic acid 330 with glutamic acid.
Molecular consequence: missense variant.
Genome position (GRCh38, 1-based): chr1:67,236,747, C>A. VCF-style: chr1-67236747-C-A. GRCh37 (hg19) VCF-style: chr1-67702430-C-A.
Other names: short protein forms D330E.
Identifiers: ClinVar variation 1949720 (VCV001949720.5), dbSNP rs752947237, ClinGen allele CA899905.

ClinVar aggregate classification (germline): Uncertain significance (1 of 4 stars; one submission).

Allele frequency attached by ClinVar (database versions not stated): TOPMed below 0.00001; ExAC 0.00002.

Submission:

Labcorp Genetics (formerly Invitae), Labcorp
Classification: Uncertain significance. Last evaluated: 2025-06-05. Review status: criteria provided, single submitter. Criteria: Invitae Variant Classification Sherloc (09022015). Collection method: clinical testing. Allele origin: germline.
Comment: This sequence change replaces aspartic acid, which is acidic and polar, with glutamic acid, which is acidic and polar, at codon 330 of the IL23R protein (p.Asp330Glu). This variant is present in population databases (rs752947237, gnomAD 0.006%). This variant has not been reported in the literature in individuals affected with IL23R-related conditions. ClinVar contains an entry for this variant (Variation ID: 1949720). An algorithm developed to predict the effect of missense changes on protein structure and function outputs the following: PolyPhen-2: "Benign". The glutamic acid amino acid residue is found in multiple mammalian species, which suggests that this missense change does not adversely affect protein function. In summary, the available evidence is currently insufficient to determine the role of this variant in disease. Therefore, it has been classified as a Variant of Uncertain Significance.